The following is an entry in ClinVar:

ClinVar aggregate classification (germline): Benign/Likely benign. Review status: criteria provided, multiple submitters, no conflicts (2 of 4 stars). 8 submissions from 8 submitters: Benign (1); Likely benign (7). Last evaluated 2026-03-27.

Conditions:
Catecholaminergic polymorphic ventricular tachycardia 3. Identifiers: Orphanet 3286, MedGen C3151463, MONDO:0013529, OMIM 614021.
TECRL-related disorder. Also called: TECRL-related condition.
Cardiovascular phenotype. Identifiers: MedGen CN230736.

Allele frequency attached by ClinVar (database versions not stated): 1000 Genomes Project 30x 0.00203; gnomAD 0.00222 and 0.00234; 1000 Genomes Project 0.00240; TOPMed 0.00259; ESP Exome Variant Server 0.00269.
gnomAD v4.1: 717 of 1,597,498 alleles (0.045%); highest among the groups gnomAD compares: African/African-American, 0.82%; 4 homozygotes.

Submissions (8):

Molecular Diagnostic Laboratory for Inherited Cardiovascular Disease, Montreal Heart Institute
Classification: Likely benign. Last evaluated: 2026-03-27. Review status: criteria provided, single submitter. Criteria: ACMG Guidelines, 2015. Collection method: clinical testing. Allele origin: germline. Affected: no.
Comment: BS1, BP4

Mayo Clinic Laboratories, Mayo Clinic
Classification: Benign. Last evaluated: 2025-08-21. Review status: criteria provided, single submitter. Criteria: ACMG Guidelines, 2015. Collection method: clinical testing. Allele origin: germline. Observed: 1 variant allele.
Comment: BS1, BS2, BP4_moderate

PreventionGenetics, part of Exact Sciences
Classification: Likely benign for TECRL-related condition. Last evaluated: 2025-07-11. Review status: criteria provided, single submitter. Criteria: ACMG Guidelines, 2015. Collection method: clinical testing. Allele origin: germline.
Comment: This variant is classified as likely benign based on ACMG/AMP sequence variant interpretation guidelines (Richards et al. 2015 PMID: 25741868, with internal and published modifications).

ARUP Laboratories, Molecular Genetics and Genomics, ARUP Laboratories
Classification: Likely benign for Catecholaminergic polymorphic ventricular tachycardia 3. Last evaluated: 2025-05-14. Review status: criteria provided, single submitter. Criteria: ARUP Molecular Germline Variant Investigation Process 2024. Collection method: clinical testing. Allele origin: germline.

Blueprint Genetics
Classification: Likely benign. Last evaluated: 2024-07-05. Review status: criteria provided, single submitter. Criteria: ACMG Guidelines, 2015. Collection method: clinical testing. Allele origin: germline.

Women's Health and Genetics/Laboratory Corporation of America, LabCorp
Classification: Likely benign. Last evaluated: 2024-04-29. Review status: criteria provided, single submitter. Criteria: LabCorp Variant Classification Summary - May 2015. Collection method: clinical testing. Allele origin: germline.
Comment: Variant summary: TECRL c.536G>A (p.Arg179His) results in a non-conservative amino acid change in the encoded protein sequence. Three of five in-silico tools predict a benign effect of the variant on protein function. The variant allele was found at a frequency of 0.00064 in 251012 control chromosomes, predominantly at a frequency of 0.0079 within the African or African-American subpopulation in the gnomAD database. The observed variant frequency within African or African-American control individuals in the gnomAD database is approximately 3.16 fold of the estimated maximal expected allele frequency for a pathogenic variant in TECRL causing Catecholaminergic Polymorphic Ventricular Tachycardia phenotype (0.0025), strongly suggesting that the variant is a benign polymorphism found primarily in populations of African or African-American origin. To our knowledge, no occurrence of c.536G>A in individuals affected with Catecholaminergic Polymorphic Ventricular Tachycardia and no experimental evidence demonstrating its impact on protein function have been reported. ClinVar contains an entry for this variant (Variation ID: 1217074). Based on the evidence outlined above, the variant was classified as likely benign.

GeneDx
Classification: Likely benign. Last evaluated: 2020-05-28. Review status: criteria provided, single submitter. Criteria: GeneDx Variant Classification Process June 2021. Collection method: clinical testing. Allele origin: germline. Affected: yes.
Comment: This variant is associated with the following publications: (PMID: 25363768)

Ambry Genetics
Classification: Likely benign for Cardiovascular phenotype. Last evaluated: 2019-04-11. Review status: criteria provided, single submitter. Criteria: Ambry Variant Classification Scheme 2023. Collection method: clinical testing. Allele origin: germline.

Literature cited by the submitters: PubMed 25363768 (cited by Ambry Genetics).

NM_001010874.5(TECRL):c.536G>A (p.Arg179His)

Gene: TECRL (trans-2,3-enoyl-CoA reductase like; minus strand). Cytogenetic location: 4q13.1.
Variant type: single nucleotide variant.
Coding change: c.536G>A on transcript NM_001010874.5 (MANE Select); coding-DNA position 536, G replaced by A.
Protein change: p.Arg179His; replaces arginine 179 with histidine.
Molecular consequence: missense variant.
Genome position (GRCh38, 1-based): chr4:64,314,663, C>T on the plus strand (G>A on the coding strand, the complement: TECRL is on the minus strand). VCF-style: chr4-64314663-C-T. GRCh37 (hg19) VCF-style: chr4-65180381-C-T.
Other names: p.Arg179His; c.536G>A, p.Arg179His (NM_001363796.1); short protein forms R179H.
Identifiers: ClinVar variation 1217074 (VCV001217074.11), dbSNP rs147048390, ClinGen allele CA2935499.